The following is an entry in ClinVar:

ClinVar aggregate classification (germline): Uncertain significance. Review status: criteria provided, multiple submitters, no conflicts (2 of 4 stars). 2 submissions from 2 submitters: Uncertain significance (2). Last evaluated 2024-03-24.

Conditions:
RYR1-related disorder. Also called: RYR1-related condition; RYR1-related disorders. Identifiers: MedGen CN239331.
Malignant hyperthermia, susceptibility to, 1 (MHS1). Also called: Anesthesia related hyperthermia; Malignant hyperpyrexia; Fulminating hyperpyrexia; Pharmacogenic myopathy; RYR1-Related Malignant Hyperthermia Susceptibility; Malignant hyperthermia suceptibility 1. Identifiers: Orphanet 423, MedGen C2930980, MONDO:0007783, OMIM 145600.

Submissions (2):

All of Us Research Program, National Institutes of Health
Classification: Uncertain significance for Malignant hyperthermia, susceptibility to, 1. Last evaluated: 2024-03-24. Review status: criteria provided, single submitter. Criteria: ACMG Guidelines, 2015. Collection method: clinical testing. Allele origin: germline. Inheritance: Autosomal dominant inheritance. Observed: 1 variant allele, 1 heterozygote.
Comment: This missense variant replaces leucine with valine at codon 5037 of the RYR1 protein. Computational prediction is inconclusive regarding the impact of this variant on protein structure and function (internally defined REVEL score threshold 0.5 < inconclusive < 0.7, PMID: 27666373). To our knowledge, functional studies have not been reported for this variant. This variant has not been reported in individuals affected with malignant hyperthermia in the literature. This variant has been identified in 1/251420 chromosomes in the general population by the Genome Aggregation Database (gnomAD). The available evidence is insufficient to determine the role of this variant in disease conclusively. Therefore, this variant is classified as a Variant of Uncertain Significance.

This study involves interpretation of variants in research participants for the purpose of population health screening. Participant phenotype was not available at the time of variant classification. Additional details can be found in publication PMID: 35346344, PMCID: PMC8962531

Labcorp Genetics (formerly Invitae), Labcorp
Classification: Uncertain significance for RYR1-related disorder. Last evaluated: 2021-08-26. Review status: criteria provided, single submitter. Criteria: Invitae Variant Classification Sherloc (09022015). Collection method: clinical testing. Allele origin: germline.
Comment: This sequence change replaces leucine with valine at codon 5037 of the RYR1 protein (p.Leu5037Val). The leucine residue is highly conserved and there is a small physicochemical difference between leucine and valine. This variant is not present in population databases (ExAC no frequency). This variant has not been reported in the literature in individuals affected with RYR1-related conditions. Algorithms developed to predict the effect of missense changes on protein structure and function are either unavailable or do not agree on the potential impact of this missense change (SIFT: "Deleterious"; PolyPhen-2: "Not Available"; Align-GVGD: "Class C0"). Algorithms developed to predict the effect of sequence changes on RNA splicing suggest that this variant may create or strengthen a splice site. In summary, the available evidence is currently insufficient to determine the role of this variant in disease. Therefore, it has been classified as a Variant of Uncertain Significance.

NM_000540.3(RYR1):c.15109C>G (p.Leu5037Val)

Gene: RYR1 (ryanodine receptor 1; plus strand). Cytogenetic location: 19q13.2.
Variant type: single nucleotide variant.
Coding change: c.15109C>G on transcript NM_000540.3 (MANE Select); coding-DNA position 15109, C replaced by G.
Protein change: p.Leu5037Val; replaces leucine 5037 with valine.
Molecular consequence: missense variant.
Genome position (GRCh38, 1-based): chr19:38,587,412, C>G. VCF-style: chr19-38587412-C-G. GRCh37 (hg19) VCF-style: chr19-39078052-C-G.
Other names: c.15094C>G, p.Leu5032Val (NM_001042723.2); short protein forms L5037V, L5032V.
Identifiers: ClinVar variation 1043482 (VCV001043482.7), dbSNP rs140584202, ClinGen allele CA405694725.